The following is an entry in ClinVar:

NM_014423.4(AFF4):c.2791G>T (p.Ala931Ser)

Gene: AFF4 (ALF transcription elongation factor 4; minus strand). Cytogenetic location: 5q31.1.
Variant type: single nucleotide variant.
Coding change: c.2791G>T on transcript NM_014423.4 (MANE Select); coding-DNA position 2791, G replaced by T.
Protein change: p.Ala931Ser; replaces alanine 931 with serine.
Molecular consequence: missense variant.
Genome position (GRCh38, 1-based): chr5:132,888,102, C>A on the plus strand (G>T on the coding strand, the complement: AFF4 is on the minus strand). VCF-style: chr5-132888102-C-A. GRCh37 (hg19) VCF-style: chr5-132223794-C-A.
Other names: short protein forms A931S.
Identifiers: ClinVar variation 3349195 (VCV003349195.1).
Genomic context (GRCh38, chr5:132,888,102, plus strand): 5'-GATTACTTAAGTTAATTTGATTAAATACGTAAGTGTAAGGAGAATATCTACATACCAATG[C>A]ATCTGCATTGTGCTTTAGCTTTTTTGCTTCTTGTAAATAATGGTCTGCTGAATAATTTCT-3'
Protein context (NP_055238.1, residues 921-941): EAKKLKHNAD[Ala931Ser]LSDRFEKAVY

ClinVar aggregate classification (germline): Uncertain significance (0 of 4 stars; one submission).

Conditions:
AFF4-related disorder. Also called: AFF4-related condition.

Submission:

PreventionGenetics, part of Exact Sciences
Classification: Uncertain significance for AFF4-related condition. Last evaluated: 2023-11-15. Review status: no assertion criteria provided. Collection method: clinical testing. Allele origin: germline.
Comment: The AFF4 c.2791G>T variant is predicted to result in the amino acid substitution p.Ala931Ser. To our knowledge, this variant has not been reported in the literature or in a large population database, indicating this variant is rare. At this time, the clinical significance of this variant is uncertain due to the absence of conclusive functional and genetic evidence.